The following is an entry in ClinVar:

NM_001372044.2(SHANK3):c.996-5C>T

Gene: SHANK3 (SH3 and multiple ankyrin repeat domains 3; plus strand). Cytogenetic location: 22q13.33.
Variant type: single nucleotide variant.
Coding change: c.996-5C>T on transcript NM_001372044.2 (MANE Select); 5 bases into the intron before coding-DNA position 996, C replaced by T.
Molecular consequence: intron variant.
Genome position (GRCh38, 1-based): chr22:50,679,307, C>T. VCF-style: chr22-50679307-C-T. GRCh37 (hg19) VCF-style: chr22-51117735-C-T.
Identifiers: ClinVar variation 2653413 (VCV002653413.24), dbSNP rs765234266, ClinGen allele CA10325343.
Genomic context (GRCh38, chr22:50,679,307, plus strand): 5'-TGTCTGTAGGGGTGGGGGCCCTAGCCTCTGCCCAGGGACCCTACAGCACCTTGCTCTTCC[C>T]CCAGGCCTGCCGCTTTGGGCACGTGCAGCATCTGGAGCACCTGCTGTTCTATGGGGCAGA-3'

ClinVar aggregate classification (germline): Likely benign (1 of 4 stars; one submission).

Allele frequency attached by ClinVar (database versions not stated): ExAC 0.00001; gnomAD exomes 0.00001.

Submission:

CeGaT Center for Human Genetics Tuebingen
Classification: Likely benign. Last evaluated: 2022-11-01. Review status: criteria provided, single submitter. Criteria: CeGaT Center For Human Genetics Tuebingen Variant Classification Criteria Version 2. Collection method: clinical testing. Allele origin: germline. Affected: yes. Observed: 1 variant allele.
Comment: SHANK3: BP4